The following is an entry in ClinVar:

NM_024529.5(CDC73):c.1511G>A (p.Arg504His)

Gene: CDC73 (cell division cycle 73; plus strand). Cytogenetic location: 1q31.2.
Variant type: single nucleotide variant.
Coding change: c.1511G>A on transcript NM_024529.5 (MANE Select); coding-DNA position 1511, G replaced by A.
Protein change: p.Arg504His; replaces arginine 504 with histidine.
Molecular consequence: missense variant.
Genome position (GRCh38, 1-based): chr1:193,249,823, G>A. VCF-style: chr1-193249823-G-A. GRCh37 (hg19) VCF-style: chr1-193218953-G-A.
Other names: c.1511G>A (NM_024529.4); short protein forms R504H.
Identifiers: ClinVar variation 1433257 (VCV001433257.10), dbSNP rs759222387, ClinGen allele CA1303870.

ClinVar aggregate classification (germline): Conflicting classifications of pathogenicity. Review status: criteria provided, conflicting classifications (1 of 4 stars). 2 submissions from 2 submitters: Uncertain significance (1); Likely benign (1). Last evaluated 2025-11-05.

Conditions:
Parathyroid carcinoma (PRTC). Also called: CDC73-Related Parathyroid Carcinoma; Parathyroid gland carcinoma. Identifiers: Orphanet 143, MedGen C0687150, MONDO:0012004, OMIM 608266, HP:0006780.
Hereditary cancer-predisposing syndrome. Also called: Hereditary Cancer Syndrome; Hereditary neoplastic syndrome; Neoplastic Syndromes, Hereditary; Tumor predisposition. Identifiers: Orphanet 140162, MedGen C0027672, MeSH D009386, MONDO:0015356.

Allele frequency attached by ClinVar (database versions not stated): TOPMed below 0.00001; gnomAD exomes 0.00001 and 0.00002; ExAC 0.00004.

Submissions (2):

Labcorp Genetics (formerly Invitae), Labcorp
Classification: Uncertain significance for Parathyroid carcinoma. Last evaluated: 2025-11-05. Review status: criteria provided, single submitter. Criteria: Invitae Variant Classification Sherloc (09022015). Collection method: clinical testing. Allele origin: germline.
Comment: This sequence change replaces arginine, which is basic and polar, with histidine, which is basic and polar, at codon 504 of the CDC73 protein (p.Arg504His). This variant is present in population databases (rs759222387, gnomAD 0.004%). This variant has not been reported in the literature in individuals affected with CDC73-related conditions. ClinVar contains an entry for this variant (Variation ID: 1433257). Invitae Evidence Modeling of protein sequence and biophysical properties (such as structural, functional, and spatial information, amino acid conservation, physicochemical variation, residue mobility, and thermodynamic stability) indicates that this missense variant is expected to disrupt CDC73 protein function with a positive predictive value of 80%. In summary, the available evidence is currently insufficient to determine the role of this variant in disease. Therefore, it has been classified as a Variant of Uncertain Significance.

Ambry Genetics
Classification: Likely benign for Hereditary cancer-predisposing syndrome. Last evaluated: 2023-01-22. Review status: criteria provided, single submitter. Criteria: Ambry Variant Classification Scheme 2023. Collection method: clinical testing. Allele origin: germline.